The following is an entry in ClinVar:

NM_001267550.2(TTN):c.13641G>A (p.Leu4547=)

Gene: TTN (titin; minus strand). Cytogenetic location: 2q31.2.
Variant type: single nucleotide variant.
Coding change: c.13641G>A on transcript NM_001267550.2 (MANE Select); coding-DNA position 13641, G replaced by A.
Protein change: p.Leu4547=; no amino-acid change (leucine 4547 retained).
Molecular consequence: synonymous variant. On other transcripts: intron variant (1).
Genome position (GRCh38, 1-based): chr2:178,739,592, C>T on the plus strand (G>A on the coding strand, the complement: TTN is on the minus strand). VCF-style: chr2-178739592-C-T. GRCh37 (hg19) VCF-style: chr2-179604319-C-T.
Other names: c.12690G>A, p.Leu4230= (NM_001256850.1); c.12552G>A, p.Leu4184= (NM_003319.4); c.12927G>A, p.Leu4309= (NM_133432.3); c.13128G>A, p.Leu4376= (NM_133437.4); c.10361-1232G>A (NM_133378.4).
Identifiers: ClinVar variation 514195 (VCV000514195.10), dbSNP rs768023034, ClinGen allele CA2002549.

ClinVar aggregate classification (germline): Likely benign. Review status: criteria provided, multiple submitters, no conflicts (2 of 4 stars). 2 submissions from 2 submitters: Likely benign (2). Last evaluated 2025-08-11.

Conditions:
Autosomal recessive limb-girdle muscular dystrophy type 2J (LGMDR10). Also called: MUSCULAR DYSTROPHY, LIMB-GIRDLE, AUTOSOMAL RECESSIVE 10; Limb-girdle muscular dystrophy, type 2J. Identifiers: Orphanet 140922, MedGen C1837342, MONDO:0012127, OMIM 608807.
Dilated cardiomyopathy 1G (CMD1G). Identifiers: Orphanet 154, MedGen C1858763, MONDO:0011400, OMIM 604145.

Allele frequency attached by ClinVar (database versions not stated): TOPMed below 0.00001; gnomAD exomes 0.00001 and 0.00002; ExAC 0.00002.
gnomAD v4.1: 5 of 1,613,788 alleles (0.00031%); highest among the groups gnomAD compares: Admixed American, 0.0083%; no homozygotes.

Submissions (2):

Labcorp Genetics (formerly Invitae), Labcorp
Classification: Likely benign for Dilated cardiomyopathy 1G; Autosomal recessive limb-girdle muscular dystrophy type 2J. Last evaluated: 2025-08-11. Review status: criteria provided, single submitter. Criteria: Invitae Variant Classification Sherloc (09022015). Collection method: clinical testing. Allele origin: germline.

GeneDx
Classification: Likely benign. Last evaluated: 2017-12-14. Review status: criteria provided, single submitter. Criteria: GeneDx Variant Classification (06012015). Collection method: clinical testing. Allele origin: germline. Affected: yes.
Comment: This variant is considered likely benign or benign based on one or more of the following criteria: it is a conservative change, it occurs at a poorly conserved position in the protein, it is predicted to be benign by multiple in silico algorithms, and/or has population frequency not consistent with disease.